The following is an entry in ClinVar:

NM_024422.6(DSC2):c.16C>G (p.Pro6Ala)

Genes: DSC2 (desmocollin 2; minus strand), DSCAS (DSC1/DSC2 antisense RNA; plus strand). Cytogenetic location: 18q12.1.
Variant type: single nucleotide variant.
Coding change: c.16C>G on transcript NM_024422.6 (MANE Select); coding-DNA position 16, C replaced by G.
Protein change: p.Pro6Ala; replaces proline 6 with alanine.
Molecular consequence: missense variant.
Genome position (GRCh38, 1-based): chr18:31,101,956, G>C on the plus strand (C>G on the coding strand, the complement: DSC2 is on the minus strand). VCF-style: chr18-31101956-G-C. GRCh37 (hg19) VCF-style: chr18-28681919-G-C.
Other names: c.16C>G, p.Pro6Ala (NM_004949.5); short protein forms P6A.
Identifiers: ClinVar variation 2110894 (VCV002110894.4), dbSNP rs2510964062, ClinGen allele CA402115305.
Genomic context (GRCh38, chr18:31,101,956, plus strand): 5'-CACTCACCGCGAGGGTCAGCAGGAGCAGCCGGCAGAGGGCTCCGTTCCAGGAGCCGGAGG[G>C]GCGGGCTGCCTCCATGGAGAGGGCTCGGGGCAGGTCGCGGGCCGAGCGTCGGGCCGGGGT-3'
Protein context (NP_077740.1, residues 1-16): MEAAR[Pro6Ala]SGSWNGALCR

ClinVar aggregate classification (germline): Uncertain significance (1 of 4 stars; one submission).

Conditions:
Arrhythmogenic right ventricular dysplasia 11. Also called: Arrhythmogenic right ventricular dysplasia 11 with mild palmoplantar keratoderma and woolly hair; Arrhythmogenic Right Ventricular Dysplasia/Cardiomyopathy11; ARRHYTHMOGENIC RIGHT VENTRICULAR DYSPLASIA, FAMILIAL, 11. Identifiers: MedGen C1864850, MONDO:0012506, OMIM 610476.

Submission:

Labcorp Genetics (formerly Invitae), Labcorp
Classification: Uncertain significance for Arrhythmogenic right ventricular dysplasia 11. Last evaluated: 2022-03-13. Review status: criteria provided, single submitter. Criteria: Invitae Variant Classification Sherloc (09022015). Collection method: clinical testing. Allele origin: germline.
Comment: In summary, the available evidence is currently insufficient to determine the role of this variant in disease. Therefore, it has been classified as a Variant of Uncertain Significance. Algorithms developed to predict the effect of missense changes on protein structure and function output the following: SIFT: "Tolerated"; PolyPhen-2: "Benign"; Align-GVGD: "Class C0". The alanine amino acid residue is found in multiple mammalian species, which suggests that this missense change does not adversely affect protein function. This variant has not been reported in the literature in individuals affected with DSC2-related conditions. This variant is not present in population databases (gnomAD no frequency). This sequence change replaces proline, which is neutral and non-polar, with alanine, which is neutral and non-polar, at codon 6 of the DSC2 protein (p.Pro6Ala).